The following is an entry in ClinVar:

ClinVar aggregate classification (germline): Uncertain significance (1 of 4 stars; one submission).

Conditions:
Hereditary cancer-predisposing syndrome. Also called: Tumor predisposition; Hereditary neoplastic syndrome; Neoplastic Syndromes, Hereditary; Hereditary Cancer Syndrome. Identifiers: Orphanet 140162, MedGen C0027672, MeSH D009386, MONDO:0015356.

Submission:

Ambry Genetics
Classification: Uncertain significance for Hereditary cancer-predisposing syndrome. Last evaluated: 2025-04-30. Review status: criteria provided, single submitter. Criteria: Ambry Variant Classification Scheme 2023. Collection method: clinical testing. Allele origin: germline.
Comment: The c.1309_1311delCCT variant (also known as p.P437del) is located in coding exon 7 of the DICER1 gene. This variant results from an in-frame CCT deletion at nucleotide positions 1309 to 1311. This results in the in-frame deletion of a proline at codon 437. This amino acid position is highly conserved in available vertebrate species. In addition, the in silico prediction for this alteration is inconclusive (Choi Y et al. PLoS ONE. 2012; 7(10):e46688). Based on the available evidence, the clinical significance of this variant remains unclear.

NM_177438.3(DICER1):c.1309_1311del (p.Pro437del)

Gene: DICER1 (dicer 1, ribonuclease III; minus strand). Cytogenetic location: 14q32.13.
Variant type: Deletion.
Coding change: c.1309_1311del on transcript NM_177438.3 (MANE Select); coding-DNA positions 1309 to 1311, 3 bases deleted (CCT; older notation c.1309_1311delCCT).
Protein change: p.Pro437del; deletes proline 437.
Molecular consequence: non-coding transcript variant (on NR_172715.1). On other transcripts: 5 prime UTR variant (1), inframe indel (1).
Genome position (GRCh38, 1-based): chr14:95,124,261-95,124,263, AGG deleted on the plus strand (CCT on the coding strand, the reverse complement: DICER1 is on the minus strand); deleting any 3 consecutive bases within chr14:95,124,261-95,124,265 gives the same sequence; the c. name uses the placement nearest the transcript's 3' end. VCF-style (leftmost placement, unchanged base first): chr14-95124260-AAGG-A. GRCh37 (hg19) VCF-style: chr14-95590597-AAGG-A.
Other names: c.1309_1311del, p.Pro437del (NM_001195573.1, NM_001271282.3, NM_001291628.2 and 14 more transcripts); c.1027_1029del, p.Pro343del (NM_001395686.1); c.904_906del, p.Pro302del (NM_001395687.1, NM_001395688.1, NM_001395689.1 and 3 more transcripts); c.742_744del, p.Pro248del (NM_001395691.1); c.-260_-258del (NM_001395697.1); c.1309_1311delCCT (NM_177438.2); short protein forms P248del, P437del, P343del, P302del.
Identifiers: ClinVar variation 4011627 (VCV004011627.1).